The following is an entry in ClinVar:

ClinVar aggregate classification (germline): Conflicting classifications of pathogenicity. Review status: criteria provided, conflicting classifications (1 of 4 stars). 3 submissions from 3 submitters: Pathogenic (1); Uncertain significance (2). Last evaluated 2025-06-09.

Conditions:
Epidermolysis bullosa dystrophica. Also called: Dystrophic epidermolysis bullosa, Hallopeau-Siemens type (formerly); Dystrophic epidermolysis bullosa. Identifiers: Orphanet 303, MedGen C0079294, MONDO:0006543.

Allele frequency attached by ClinVar (database versions not stated): gnomAD 0.00001; gnomAD exomes 0.00001; TOPMed 0.00004.
gnomAD v4.1: 24 of 1,613,784 alleles (0.0015%); highest among the groups gnomAD compares: Non-Finnish European, 0.0017%; no homozygotes.

Submissions (3):

Labcorp Genetics (formerly Invitae), Labcorp
Classification: Uncertain significance. Last evaluated: 2025-06-09. Review status: criteria provided, single submitter. Criteria: Invitae Variant Classification Sherloc (09022015). Collection method: clinical testing. Allele origin: germline.
Comment: This sequence change replaces arginine, which is basic and polar, with tryptophan, which is neutral and slightly polar, at codon 2703 of the COL7A1 protein (p.Arg2703Trp). This variant is present in population databases (rs759039839, gnomAD 0.003%). This variant has not been reported in the literature in individuals affected with COL7A1-related conditions. ClinVar contains an entry for this variant (Variation ID: 1047949). Invitae Evidence Modeling of protein sequence and biophysical properties (such as structural, functional, and spatial information, amino acid conservation, physicochemical variation, residue mobility, and thermodynamic stability) indicates that this missense variant is expected to disrupt COL7A1 protein function with a positive predictive value of 95%. In summary, the available evidence is currently insufficient to determine the role of this variant in disease. Therefore, it has been classified as a Variant of Uncertain Significance.

Mendelics
Classification: Uncertain significance. Last evaluated: 2022-05-04. Review status: criteria provided, single submitter. Criteria: Mendelics Assertion Criteria 2019. Collection method: clinical testing. Allele origin: germline.

Biomedical Innovation Departament, CIEMAT
Classification: Pathogenic for Dystrophic epidermolysis bullosa. Last evaluated: 2019-01-30. Review status: criteria provided, single submitter. Criteria: ACMG Guidelines, 2015. Collection method: research. Allele origin: germline. Affected: yes. Observed: 2 variant alleles.

NM_000094.4(COL7A1):c.8107C>T (p.Arg2703Trp)

Gene: COL7A1 (collagen type VII alpha 1 chain; minus strand). Cytogenetic location: 3p21.31.
Variant type: single nucleotide variant.
Coding change: c.8107C>T on transcript NM_000094.4 (MANE Select); coding-DNA position 8107, C replaced by T.
Protein change: p.Arg2703Trp; replaces arginine 2703 with tryptophan.
Molecular consequence: missense variant.
Genome position (GRCh38, 1-based): chr3:48,567,130, G>A on the plus strand (C>T on the coding strand, the complement: COL7A1 is on the minus strand). VCF-style: chr3-48567130-G-A. GRCh37 (hg19) VCF-style: chr3-48604563-G-A.
Other names: short protein forms R2703W.
Identifiers: ClinVar variation 1047949 (VCV001047949.6), dbSNP rs759039839, ClinGen allele CA73972923.